The following is an entry in ClinVar:

ClinVar aggregate classification (germline): Uncertain significance (1 of 4 stars; one submission).

gnomAD v4.1: 1 of 1,607,880 alleles (0.000062%); highest among the groups gnomAD compares: Non-Finnish European, 0.000085%; no homozygotes.

Submission:

GeneDx
Classification: Uncertain significance. Last evaluated: 2022-10-31. Review status: criteria provided, single submitter. Criteria: GeneDx Variant Classification Process June 2021. Collection method: clinical testing. Allele origin: germline. Affected: yes.
Comment: Not observed at significant frequency in large population cohorts (gnomAD); In silico analysis supports that this missense variant does not alter protein structure/function; Has not been previously published as pathogenic or benign to our knowledge

NM_001348716.2(KDM6B):c.2279C>G (p.Thr760Ser)

Gene: KDM6B (lysine demethylase 6B; plus strand). Cytogenetic location: 17p13.1.
Variant type: single nucleotide variant.
Coding change: c.2279C>G on transcript NM_001348716.2 (MANE Select); coding-DNA position 2279, C replaced by G.
Protein change: p.Thr760Ser; replaces threonine 760 with serine.
Molecular consequence: missense variant.
Genome position (GRCh38, 1-based): chr17:7,848,567, C>G. VCF-style: chr17-7848567-C-G. GRCh37 (hg19) VCF-style: chr17-7751885-C-G.
Other names: c.2279C>G, p.Thr760Ser (NM_001080424.2); short protein forms T760S.
Identifiers: ClinVar variation 2500688 (VCV002500688.1), dbSNP rs2078616587, ClinGen allele CA397919518.